The following is an entry in ClinVar:

NM_002691.4(POLD1):c.1219A>G (p.Ile407Val)

Gene: POLD1 (DNA polymerase delta 1, catalytic subunit; plus strand). Cytogenetic location: 19q13.33.
Variant type: single nucleotide variant.
Coding change: c.1219A>G on transcript NM_002691.4 (MANE Select); coding-DNA position 1219, A replaced by G.
Protein change: p.Ile407Val; replaces isoleucine 407 with valine.
Molecular consequence: missense variant. On other transcripts: non-coding transcript variant (1).
Genome position (GRCh38, 1-based): chr19:50,403,574, A>G. VCF-style: chr19-50403574-A-G. GRCh37 (hg19) VCF-style: chr19-50906831-A-G.
Other names: c.1219A>G, p.Ile407Val (NM_001256849.1, NM_001308632.1); c.1219A>G (NM_002691.2); short protein forms I407V.
Identifiers: ClinVar variation 649168 (VCV000649168.9), dbSNP rs1601206367, ClinGen allele CA406978605.

ClinVar aggregate classification (germline): Conflicting classifications of pathogenicity. Review status: criteria provided, conflicting classifications (1 of 4 stars). 2 submissions from 2 submitters: Uncertain significance (1); Likely benign (1). Last evaluated 2026-04-22.

Conditions:
Hereditary cancer-predisposing syndrome. Also called: Hereditary neoplastic syndrome; Tumor predisposition; Hereditary Cancer Syndrome; Neoplastic Syndromes, Hereditary. Identifiers: Orphanet 140162, MedGen C0027672, MeSH D009386, MONDO:0015356.
POLD1-related polyposis and colorectal cancer syndrome (CRCS10). Also called: Colorectal cancer, susceptibility to, 10; Colorectal cancer 10; COLORECTAL CANCER, SUSCEPTIBILITY TO, ON CHROMOSOME 19q. Identifiers: Orphanet 220460, MedGen C2675481, MONDO:0012953, OMIM 612591.

Submissions (2):

Ambry Genetics
Classification: Likely benign for Hereditary cancer-predisposing syndrome. Last evaluated: 2026-04-22. Review status: criteria provided, single submitter. Criteria: Ambry Variant Classification Scheme 2023. Collection method: clinical testing. Allele origin: germline.

Labcorp Genetics (formerly Invitae), Labcorp
Classification: Uncertain significance for POLD1-related polyposis and colorectal cancer syndrome. Last evaluated: 2018-12-11. Review status: criteria provided, single submitter. Criteria: Invitae Variant Classification Sherloc (09022015). Collection method: clinical testing. Allele origin: germline.
Comment: In summary, the available evidence is currently insufficient to determine the role of this variant in disease. Therefore, it has been classified as a Variant of Uncertain Significance. Algorithms developed to predict the effect of missense changes on protein structure and function (SIFT, PolyPhen-2, Align-GVGD) all suggest that this variant is likely to be tolerated, but these predictions have not been confirmed by published functional studies and their clinical significance is uncertain. This variant has not been reported in the literature in individuals with POLD1-related conditions. This variant is not present in population databases (ExAC no frequency). This sequence change replaces isoleucine with valine at codon 407 of the POLD1 protein (p.Ile407Val). The isoleucine residue is weakly conserved and there is a small physicochemical difference between isoleucine and valine.